The following is an entry in ClinVar:

ClinVar aggregate classification (germline): Uncertain significance. Review status: criteria provided, single submitter (1 of 4 stars). 2 submissions from 2 submitters: Uncertain significance (1). 1 of the submissions does not count toward it. Last evaluated 2021-08-30.

Conditions:
Methylmalonic aciduria, cblB type (MACB). Also called: Vitamin B12-responsive methylmalonic acidemia type cblB; Methylmalonic acidemia cblB type; METHYLMALONIC ACIDURIA, VITAMIN B12-RESPONSIVE, DUE TO DEFECT IN SYNTHESIS OF ADENOSYLCOBALAMIN, cblB TYPE. Identifiers: Orphanet 28, Orphanet 79311, MedGen C1855102, MONDO:0009614, OMIM 251110.

Allele frequency attached by ClinVar (database versions not stated): gnomAD 0.00001 and 0.00002; gnomAD exomes 0.00001; ExAC 0.00002; 1000 Genomes Project 30x 0.00031; 1000 Genomes Project 0.00040.
gnomAD v4.1: 5 of 1,614,224 alleles (0.00031%); highest among the groups gnomAD compares: East Asian, 0.0067%; no homozygotes.

Submissions (2):

Labcorp Genetics (formerly Invitae), Labcorp
Classification: Uncertain significance for Methylmalonic aciduria, cblB type. Last evaluated: 2021-08-30. Review status: criteria provided, single submitter. Criteria: Invitae Variant Classification Sherloc (09022015). Collection method: clinical testing. Allele origin: germline.
Comment: This sequence change replaces phenylalanine with leucine at codon 83 of the MMAB protein (p.Phe83Leu). The phenylalanine residue is highly conserved and there is a small physicochemical difference between phenylalanine and leucine. This variant is present in population databases (rs571555515, ExAC 0.02%). This variant has not been reported in the literature in individuals affected with MMAB-related conditions. Algorithms developed to predict the effect of missense changes on protein structure and function are either unavailable or do not agree on the potential impact of this missense change (SIFT: "Deleterious"; PolyPhen-2: "Probably Damaging"; Align-GVGD: "Class C0"). In summary, the available evidence is currently insufficient to determine the role of this variant in disease. Therefore, it has been classified as a Variant of Uncertain Significance.

Natera, Inc.
Classification: Uncertain significance for Methylmalonic aciduria cblB type. Last evaluated: 2020-02-29. Review status: no assertion criteria provided. Collection method: clinical testing. Allele origin: germline. Not counted in ClinVar's aggregate classification.

NM_052845.4(MMAB):c.247T>C (p.Phe83Leu)

Gene: MMAB (metabolism of cobalamin associated B; minus strand). Cytogenetic location: 12q24.11.
Variant type: single nucleotide variant.
Coding change: c.247T>C on transcript NM_052845.4 (MANE Select); coding-DNA position 247, T replaced by C.
Protein change: p.Phe83Leu; replaces phenylalanine 83 with leucine.
Molecular consequence: missense variant. On other transcripts: non-coding transcript variant (1).
Genome position (GRCh38, 1-based): chr12:109,568,813, A>G on the plus strand (T>C on the coding strand, the complement: MMAB is on the minus strand). VCF-style: chr12-109568813-A-G. GRCh37 (hg19) VCF-style: chr12-110006618-A-G.
Other names: short protein forms F83L.
Identifiers: ClinVar variation 970998 (VCV000970998.7), dbSNP rs571555515, ClinGen allele CA6779000.